The following is an entry in ClinVar:

NM_000219.6(KCNE1):c.173C>A (p.Thr58Asn)

Gene: KCNE1 (potassium voltage-gated channel subfamily E regulatory subunit 1; minus strand). Cytogenetic location: 21q22.12.
Variant type: single nucleotide variant.
Coding change: c.173C>A on transcript NM_000219.6 (MANE Select); coding-DNA position 173, C replaced by A.
Protein change: p.Thr58Asn; replaces threonine 58 with asparagine.
Molecular consequence: missense variant.
Genome position (GRCh38, 1-based): chr21:34,449,462, G>T on the plus strand (C>A on the coding strand, the complement: KCNE1 is on the minus strand). VCF-style: chr21-34449462-G-T. GRCh37 (hg19) VCF-style: chr21-35821760-G-T.
Other names: c.173C>A, p.Thr58Asn (NM_001127668.4, NM_001127669.4, NM_001127670.4 and 4 more transcripts); short protein forms T58N.
Identifiers: ClinVar variation 3374242 (VCV003374242.2).
Genomic context (GRCh38, chr21:34,449,462, plus strand): 5'-AATGGGTCGTTCGAGTGCTCCAGCTTCTTGGAGCGGATGTAGCTCAGCATGATGCCCAGG[G>T]TGAAGAAGCCGAAGAATCCCAGTACCATGAGGACGTAGAGGGCCTCCAGCTTGCCGTCAC-3'
Protein context (NP_000210.2, residues 48-68): LMVLGFFGFF[Thr58Asn]LGIMLSYIRS

Conditions:
Long QT syndrome 5 (LQT5). Identifiers: Orphanet 101016, Orphanet 768, MedGen C1867904, MONDO:0013372, OMIM 613695.

Submission:

Roden Lab, Vanderbilt University Medical Center
No classification provided (evidence only). Condition: Long QT syndrome 5. Review status: no classification provided. Collection method: in vitro. Allele origin: not applicable. Functional consequence: Effect on ion channel function.
ClinVar note: "not provided" was previously submitted as the classification for the variant. However, the classification appeared to be based only on an observation of functional data so it was converted to no classification on 2025-07-30.